The following is an entry in ClinVar:

NM_144997.7(FLCN):c.665T>A (p.Met222Lys)

Gene: FLCN (folliculin; minus strand). Cytogenetic location: 17p11.2.
Variant type: single nucleotide variant.
Coding change: c.665T>A on transcript NM_144997.7 (MANE Select); coding-DNA position 665, T replaced by A.
Protein change: p.Met222Lys; replaces methionine 222 with lysine.
Molecular consequence: missense variant.
Genome position (GRCh38, 1-based): chr17:17,222,615, A>T on the plus strand (T>A on the coding strand, the complement: FLCN is on the minus strand). VCF-style: chr17-17222615-A-T. GRCh37 (hg19) VCF-style: chr17-17125929-A-T.
Other names: c.719T>A, p.Met240Lys (NM_001353229.2); c.665T>A, p.Met222Lys (NM_001353230.2, NM_001353231.2, NM_144606.7); short protein forms M222K, M240K.
Identifiers: ClinVar variation 1393297 (VCV001393297.8), dbSNP rs1555609889, ClinGen allele CA398534053.
Genomic context (GRCh38, chr17:17,222,615, plus strand): 5'-GTCAGCGAGCGGGCGGCGTTGCCGTTCCTCTGGTGTAGGAATGGCGTGAAGGCTGTGTTC[A>T]TCCTCTGAGCACGCTGTGGGCATCCAAACTGCTCTGCCTCAAACACCTGAAATGCAAAGG-3'
Protein context (NP_659434.2, residues 212-232): QFGCPQRAQR[Met222Lys]NTAFTPFLHQ

ClinVar aggregate classification (germline): Uncertain significance. Review status: criteria provided, multiple submitters, no conflicts (2 of 4 stars). 2 submissions from 2 submitters: Uncertain significance (2). Last evaluated 2022-05-24.

Conditions:
Birt-Hogg-Dube syndrome. Also called: Birt Hogg Dubé syndrome. Identifiers: Orphanet 122, MedGen C0346010, MONDO:0800444.
Hereditary cancer-predisposing syndrome. Also called: Hereditary neoplastic syndrome; Neoplastic Syndromes, Hereditary; Hereditary Cancer Syndrome; Tumor predisposition. Identifiers: Orphanet 140162, MedGen C0027672, MeSH D009386, MONDO:0015356.

Allele frequency attached by ClinVar (database versions not stated): gnomAD exomes below 0.00001.

Submissions (2):

Ambry Genetics
Classification: Uncertain significance for Hereditary cancer-predisposing syndrome. Last evaluated: 2022-05-24. Review status: criteria provided, single submitter. Criteria: Ambry Variant Classification Scheme 2023. Collection method: clinical testing. Allele origin: germline.
Comment: The p.M222K variant (also known as c.665T>A), located in coding exon 4 of the FLCN gene, results from a T to A substitution at nucleotide position 665. The methionine at codon 222 is replaced by lysine, an amino acid with similar properties. This amino acid position is conserved. In addition, this alteration is predicted to be deleterious by in silico analysis. Since supporting evidence is limited at this time, the clinical significance of this alteration remains unclear.

Labcorp Genetics (formerly Invitae), Labcorp
Classification: Uncertain significance for Birt-Hogg-Dube syndrome. Last evaluated: 2021-11-14. Review status: criteria provided, single submitter. Criteria: Invitae Variant Classification Sherloc (09022015). Collection method: clinical testing. Allele origin: germline.
Comment: This sequence change replaces methionine, which is neutral and non-polar, with lysine, which is basic and polar, at codon 222 of the FLCN protein (p.Met222Lys). This variant is not present in population databases (gnomAD no frequency). This variant has not been reported in the literature in individuals affected with FLCN-related conditions. Algorithms developed to predict the effect of missense changes on protein structure and function are either unavailable or do not agree on the potential impact of this missense change (SIFT: "Deleterious"; PolyPhen-2: "Benign"; Align-GVGD: "Class C55"). In summary, the available evidence is currently insufficient to determine the role of this variant in disease. Therefore, it has been classified as a Variant of Uncertain Significance.